The following is an entry in ClinVar:

NM_002778.4(PSAP):c.889G>T (p.Glu297Ter)

Gene: PSAP (prosaposin; minus strand). Cytogenetic location: 10q22.1.
Variant type: single nucleotide variant.
Coding change: c.889G>T on transcript NM_002778.4 (MANE Select); coding-DNA position 889, G replaced by T.
Protein change: p.Glu297Ter; replaces glutamic acid 297 with a stop codon.
Molecular consequence: nonsense.
Genome position (GRCh38, 1-based): chr10:71,821,896, C>A on the plus strand (G>T on the coding strand, the complement: PSAP is on the minus strand). VCF-style: chr10-71821896-C-A. GRCh37 (hg19) VCF-style: chr10-73581653-C-A.
Other names: c.889G>T (NM_002778.3); c.898G>T, p.Glu300Ter (NM_001042465.3); c.895G>T, p.Glu299Ter (NM_001042466.3); short protein forms E300*, E297*, E299*.
Identifiers: ClinVar variation 1455040 (VCV001455040.7), dbSNP rs765607332, ClinGen allele CA5547585.

ClinVar aggregate classification (germline): Pathogenic. Review status: criteria provided, multiple submitters, no conflicts (2 of 4 stars). 2 submissions from 2 submitters: Pathogenic (2). Last evaluated 2024-08-25.

Conditions:
Sphingolipid activator protein 1 deficiency. Also called: Metachromatic leukodystrophy due to saposin B deficiency; METACHROMATIC LEUKODYSTROPHY DUE TO CEREBROSIDE SULFATASE ACTIVATOR DEFICIENCY; Saposin B Deficiency. Identifiers: Orphanet 512, MedGen C0268262, MONDO:0009590, OMIM 249900.
Metachromatic leukodystrophy (MLD). Also called: ARSA DEFICIENCY; CEREBROSIDE SULFATASE DEFICIENCY; SULFATIDE LIPIDOSIS; METACHROMATIC LEUKOENCEPHALOPATHY; Arylsulfatase A Deficiency; Cerebral sclerosis diffuse metachromatic form. Identifiers: Orphanet 512, MedGen C0023522, MONDO:0018868, OMIM 250100.

Allele frequency attached by ClinVar (database versions not stated): gnomAD exomes below 0.00001; ExAC 0.00001.
gnomAD v4.1: 1 of 1,614,200 alleles (0.000062%); highest among the groups gnomAD compares: Non-Finnish European, 0.000085%; no homozygotes.

Submissions (2):

Natera, Inc.
Classification: Pathogenic for Metachromatic leukodystrophy. Last evaluated: 2024-08-25. Review status: criteria provided, single submitter. Criteria: Natera Variant Classification Schema (03/2026). Collection method: clinical testing. Allele origin: germline.
Comment: The c.889G>T variant in PSAP is a nonsense variant predicted to introduce a stop codon at amino acid 297. This variant is expected to result in nonsense mediated decay, truncation, or a dysfunctional protein product. This variant is rare in the general population with a frequency below the threshold expected for the associated phenotype(s). This variant has been observed in one or more individuals affected with the associated recessive disease, as either homozygous or compound heterozygous with a second variant (PMID: 26831127). Functional studies show that this variant may disrupt protein function (PMID: 26831127). Given the available evidence, this variant is classified as Pathogenic.

Labcorp Genetics (formerly Invitae), Labcorp
Classification: Pathogenic for Sphingolipid activator protein 1 deficiency. Last evaluated: 2022-02-28. Review status: criteria provided, single submitter. Criteria: Invitae Variant Classification Sherloc (09022015). Collection method: clinical testing. Allele origin: germline.
Comment: This variant is also known as p.Glu299*. For these reasons, this variant has been classified as Pathogenic. This premature translational stop signal has been observed in individual(s) with Saposin B deficiency (PMID: 26831127). This variant is present in population databases (rs765607332, gnomAD 0.0009%). This sequence change creates a premature translational stop signal (p.Glu297*) in the PSAP gene. It is expected to result in an absent or disrupted protein product. Loss-of-function variants in PSAP are known to be pathogenic (PMID: 8554069, 11309366, 17616409, 19267410, 30632081).

Literature cited by the submitters: PubMed 26831127 (cited by Natera, Inc. and Labcorp Genetics (formerly Invitae), Labcorp); PubMed 8554069 (cited by Labcorp Genetics (formerly Invitae), Labcorp); PubMed 11309366 (cited by Labcorp Genetics (formerly Invitae), Labcorp); PubMed 17616409 (cited by Labcorp Genetics (formerly Invitae), Labcorp); PubMed 19267410 (cited by Labcorp Genetics (formerly Invitae), Labcorp); PubMed 30632081 (cited by Labcorp Genetics (formerly Invitae), Labcorp).